The following is an entry in ClinVar:

NM_003995.4(NPR2):c.1088G>A (p.Arg363Gln)

Gene: NPR2 (natriuretic peptide receptor 2; plus strand). Cytogenetic location: 9p13.3.
Variant type: single nucleotide variant.
Coding change: c.1088G>A on transcript NM_003995.4 (MANE Select); coding-DNA position 1088, G replaced by A.
Protein change: p.Arg363Gln; replaces arginine 363 with glutamine.
Molecular consequence: missense variant.
Genome position (GRCh38, 1-based): chr9:35,800,122, G>A. VCF-style: chr9-35800122-G-A. GRCh37 (hg19) VCF-style: chr9-35800119-G-A.
Other names: c.1088G>A, p.Arg363Gln (NM_001378923.1); c.1088G>A (NM_003995.3); short protein forms R363Q.
Identifiers: ClinVar variation 1366732 (VCV001366732.9), dbSNP rs554019454, ClinGen allele CA5051599.

ClinVar aggregate classification (germline): Uncertain significance. Review status: criteria provided, multiple submitters, no conflicts (2 of 4 stars). 2 submissions from 2 submitters: Uncertain significance (2). Last evaluated 2025-11-24.

Conditions:
Inborn genetic diseases. Identifiers: MedGen C0950123, MeSH D030342.
Acromesomelic dysplasia 1, Maroteaux type (AMD1). Also called: ST. HELENA DYSPLASIA; ACROMESOMELIC DYSPLASIA 1. Identifiers: Orphanet 40, MedGen C1864356, MONDO:0011275, OMIM 602875.
Tall stature-scoliosis-macrodactyly of the great toes syndrome. Also called: Epiphyseal chondrodysplasia, miura type. Identifiers: Orphanet 329191, MedGen C4014690, MONDO:0014401, OMIM 615923.

Allele frequency attached by ClinVar (database versions not stated): gnomAD 0.00004; TOPMed 0.00005; 1000 Genomes Project 30x 0.00016; 1000 Genomes Project 0.00020.

Submissions (2):

Labcorp Genetics (formerly Invitae), Labcorp
Classification: Uncertain significance for Tall stature-scoliosis-macrodactyly of the great toes syndrome; Acromesomelic dysplasia 1, Maroteaux type. Last evaluated: 2025-11-24. Review status: criteria provided, single submitter. Criteria: Invitae Variant Classification Sherloc (09022015). Collection method: clinical testing. Allele origin: germline.
Comment: This sequence change replaces arginine, which is basic and polar, with glutamine, which is neutral and polar, at codon 363 of the NPR2 protein (p.Arg363Gln). This variant is present in population databases (rs554019454, gnomAD 0.02%). This variant has not been reported in the literature in individuals affected with NPR2-related conditions. ClinVar contains an entry for this variant (Variation ID: 1366732). Invitae Evidence Modeling of protein sequence and biophysical properties (such as structural, functional, and spatial information, amino acid conservation, physicochemical variation, residue mobility, and thermodynamic stability) indicates that this missense variant is not expected to disrupt NPR2 protein function with a negative predictive value of 80%. In summary, the available evidence is currently insufficient to determine the role of this variant in disease. Therefore, it has been classified as a Variant of Uncertain Significance.

Ambry Genetics
Classification: Uncertain significance for Inborn genetic diseases. Last evaluated: 2025-08-25. Review status: criteria provided, single submitter. Criteria: Ambry Variant Classification Scheme 2023. Collection method: clinical testing. Allele origin: germline.